The following is an entry in ClinVar:

NM_203486.3(DLL3):c.1398C>A (p.Phe466Leu)

Gene: DLL3 (delta like canonical Notch ligand 3; plus strand). Cytogenetic location: 19q13.2.
Variant type: single nucleotide variant.
Coding change: c.1398C>A on transcript NM_203486.3 (MANE Select); coding-DNA position 1398, C replaced by A.
Protein change: p.Phe466Leu; replaces phenylalanine 466 with leucine.
Molecular consequence: missense variant.
Genome position (GRCh38, 1-based): chr19:39,507,343, C>A. VCF-style: chr19-39507343-C-A. GRCh37 (hg19) VCF-style: chr19-39997983-C-A.
Other names: c.1398C>A, p.Phe466Leu (NM_016941.4); short protein forms F466L.
Identifiers: ClinVar variation 811484 (VCV000811484.8), dbSNP rs777442783, ClinGen allele CA9432431.

ClinVar aggregate classification (germline): Uncertain significance (1 of 4 stars; one submission).

Conditions:
Spondylocostal dysostosis 1, autosomal recessive (SCDO1). Also called: DLL3-Related Spondylocostal Dysostosis, Autosomal Recessive. Identifiers: Orphanet 2311, MedGen CN032975, MONDO:0020692, OMIM 277300.

gnomAD v4.1: 10 of 1,571,030 alleles (0.00064%); highest among the groups gnomAD compares: Non-Finnish European, 0.00077%; no homozygotes.

Submission:

ARUP Laboratories, Molecular Genetics and Genomics, ARUP Laboratories
Classification: Uncertain significance for Spondylocostal dysostosis 1, autosomal recessive. Last evaluated: 2019-06-24. Review status: criteria provided, single submitter. Criteria: ARUP Molecular Germline Variant Investigation Process. Collection method: clinical testing. Allele origin: germline.
Comment: The DLL3 c.1398C>A; p.Phe466Leu variant (rs777442783), to our knowledge, is not reported in the medical literature or gene specific databases. This variant is only observed on two alleles in the Genome Aggregation Database, indicating it is not a common polymorphism. The phenylalanine at codon 466 is moderately conserved, and computational analyses (SIFT: damaging, PolyPhen-2: benign) predict conflicting effects of this variant on protein structure/function. Due to limited information, the clinical significance of the p.Phe466Leu variant is uncertain at this time.